The following is an entry in ClinVar:

ClinVar aggregate classification (germline): Uncertain significance. Review status: criteria provided, multiple submitters, no conflicts (2 of 4 stars). 2 submissions from 2 submitters: Uncertain significance (2). Last evaluated 2025-06-23.

Conditions:
Cardiovascular phenotype. Identifiers: MedGen CN230736.
Fabry disease. Also called: Fabry's disease; ALPHA-GALACTOSIDASE A DEFICIENCY; ANDERSON-FABRY DISEASE; CERAMIDE TRIHEXOSIDASE DEFICIENCY; GLA DEFICIENCY; HEREDITARY DYSTOPIC LIPIDOSIS. Identifiers: Orphanet 324, MedGen C0002986, MONDO:0010526, OMIM 301500, HP:0001071. Disease mechanism: Fabry disease is due to inactivating mutations in the X-linked GLA gene resulting in deficiency of the enzyme Alpha Galactosidase-A., loss of function.

Submissions (2):

Ambry Genetics
Classification: Uncertain significance for Cardiovascular phenotype. Last evaluated: 2025-06-23. Review status: criteria provided, single submitter. Criteria: Ambry Variant Classification Scheme 2023. Collection method: clinical testing. Allele origin: germline.
Comment: The p.A190V variant (also known as c.569C>T), located in coding exon 4 of the GLA gene, results from a C to T substitution at nucleotide position 569. The alanine at codon 190 is replaced by valine, an amino acid with similar properties. This amino acid position is highly conserved in available vertebrate species. In addition, this alteration is predicted to be deleterious by in silico analysis. Based on the available evidence, the clinical significance of this variant remains unclear.

Labcorp Genetics (formerly Invitae), Labcorp
Classification: Uncertain significance for Fabry disease. Last evaluated: 2025-01-23. Review status: criteria provided, single submitter. Criteria: Invitae Variant Classification Sherloc (09022015). Collection method: clinical testing. Allele origin: germline.
Comment: This sequence change replaces alanine, which is neutral and non-polar, with valine, which is neutral and non-polar, at codon 190 of the GLA protein (p.Ala190Val). This variant is not present in population databases (gnomAD no frequency). This variant has not been reported in the literature in individuals affected with GLA-related conditions. Invitae Evidence Modeling of protein sequence and biophysical properties (such as structural, functional, and spatial information, amino acid conservation, physicochemical variation, residue mobility, and thermodynamic stability) indicates that this missense variant is expected to disrupt GLA protein function with a positive predictive value of 80%. In summary, the available evidence is currently insufficient to determine the role of this variant in disease. Therefore, it has been classified as a Variant of Uncertain Significance.

NM_000169.3(GLA):c.569C>T (p.Ala190Val)

Genes: GLA (galactosidase alpha; minus strand), RPL36A-HNRNPH2 (RPL36A-HNRNPH2 readthrough; plus strand). Cytogenetic location: Xq22.1.
Variant type: single nucleotide variant.
Coding change: c.569C>T on transcript NM_000169.3 (MANE Select); coding-DNA position 569, C replaced by T.
Protein change: p.Ala190Val; replaces alanine 190 with valine.
Molecular consequence: missense variant. On other transcripts: non-coding transcript variant (2), intron variant (2).
Genome position (GRCh38, 1-based): chrX:101,400,736, G>A on the plus strand (C>T on the coding strand, the complement: GLA is on the minus strand). VCF-style: chrX-101400736-G-A. GRCh37 (hg19) VCF-style: chrX-100655724-G-A.
Other names: c.692C>T, p.Ala231Val (NM_001406747.1); c.569C>T, p.Ala190Val (NM_001406748.1); c.300+5279G>A (NM_001199973.2); c.177+8914G>A (NM_001199974.2); short protein forms A231V, A190V.
Identifiers: ClinVar variation 3708695 (VCV003708695.2).
Genomic context (GRCh38, chrX:101,400,736, plus strand): 5'-GGCCACATATAAAGAGGCCACTCACAGGAGTACACAATGCTTCTGCCAGTCCTATTCAGG[G>A]CCAAGGACATGTGCTTATAACCTGTATGAGAAAACAATGGGTAAAATAAGGGAAAGAAAT-3'
Protein context (NP_000160.1, residues 180-200): LADGYKHMSL[Ala190Val]LNRTGRSIVY